The following is an entry in ClinVar:

NM_020975.6(RET):c.1224C>T (p.Tyr408=)

Gene: RET (ret proto-oncogene; plus strand). Cytogenetic location: 10q11.21.
Variant type: single nucleotide variant.
Coding change: c.1224C>T on transcript NM_020975.6 (MANE Select); coding-DNA position 1224, C replaced by T.
Protein change: p.Tyr408=; no amino-acid change (tyrosine 408 retained).
Molecular consequence: synonymous variant. On other transcripts: intron variant (18).
Genome position (GRCh38, 1-based): chr10:43,109,191, C>T. VCF-style: chr10-43109191-C-T. GRCh37 (hg19) VCF-style: chr10-43604639-C-T.
Other names: c.1224C>T, p.Tyr408= (NM_000323.2, NM_001406743.1, NM_001406744.1 and 6 more transcripts); c.462C>T, p.Tyr154= (NM_001355216.2); c.1095C>T, p.Tyr365= (NM_001406761.1, NM_001406762.1, NM_001406764.1 and 1 more transcripts); c.936C>T, p.Tyr312= (NM_001406766.1, NM_001406767.1, NM_001406770.1); c.786C>T, p.Tyr262= (NM_001406771.1, NM_001406773.1); c.498C>T, p.Tyr166= (NM_001406775.1, NM_001406776.1, NM_001406777.1 and 1 more transcripts); c.234C>T, p.Tyr78= (NM_001406784.1); c.868-2016C>T (NM_001406772.1, NM_001406769.1); and 5 more.
Identifiers: ClinVar variation 477309 (VCV000477309.19), dbSNP rs745479264, ClinGen allele CA032202.

ClinVar aggregate classification (germline): Likely benign. Review status: criteria provided, multiple submitters, no conflicts (2 of 4 stars). 5 submissions from 5 submitters: Likely benign (5). Last evaluated 2025-08-18.

Conditions:
Hereditary cancer-predisposing syndrome. Also called: Tumor predisposition; Hereditary Cancer Syndrome; Neoplastic Syndromes, Hereditary; Hereditary neoplastic syndrome. Identifiers: Orphanet 140162, MedGen C0027672, MeSH D009386, MONDO:0015356.
Multiple endocrine neoplasia, type 2 (MEN2). Identifiers: Orphanet 653, MedGen C4048306, MONDO:0019003. Disease mechanism: gain of function.

Allele frequency attached by ClinVar (database versions not stated): ExAC 0.00001; gnomAD exomes 0.00001 and 0.00002; gnomAD 0.00002; TOPMed 0.00002.
gnomAD v4.1: 25 of 1,613,740 alleles (0.0015%); highest among the groups gnomAD compares: Non-Finnish European, 0.002%; no homozygotes.

Submissions (5):

Labcorp Genetics (formerly Invitae), Labcorp
Classification: Likely benign for Multiple endocrine neoplasia, type 2. Last evaluated: 2025-08-18. Review status: criteria provided, single submitter. Criteria: Invitae Variant Classification Sherloc (09022015). Collection method: clinical testing. Allele origin: germline.

All of Us Research Program, National Institutes of Health
Classification: Likely benign for Multiple endocrine neoplasia, type 2. Last evaluated: 2023-12-10. Review status: criteria provided, single submitter. Criteria: ACMG Guidelines, 2015. Collection method: clinical testing. Allele origin: germline. Inheritance: Autosomal dominant inheritance. Observed: 10 variant alleles, 10 heterozygotes.
Comment: This study involves interpretation of variants in research participants for the purpose of population health screening. Participant phenotype was not available at the time of variant classification. Additional details can be found in publication PMID: 35346344, PMCID: PMC8962531

Color Diagnostics, LLC DBA Color Health
Classification: Likely benign for Multiple endocrine neoplasia, type 2. Last evaluated: 2022-10-18. Review status: criteria provided, single submitter. Criteria: ACMG Guidelines, 2015. Collection method: clinical testing. Allele origin: germline.

Blueprint Genetics
Classification: Likely benign. Last evaluated: 2021-10-19. Review status: criteria provided, single submitter. Criteria: ACMG Guidelines, 2015. Collection method: clinical testing. Allele origin: germline.

Ambry Genetics
Classification: Likely benign for Hereditary cancer-predisposing syndrome. Last evaluated: 2019-07-17. Review status: criteria provided, single submitter. Criteria: Ambry Variant Classification Scheme 2023. Collection method: clinical testing. Allele origin: germline.